The following is an entry in ClinVar:

ClinVar aggregate classification (germline): Uncertain significance. Review status: criteria provided, multiple submitters, no conflicts (2 of 4 stars). 5 submissions from 5 submitters: Uncertain significance (4). 1 of the submissions does not count toward it. Last evaluated 2025-10-29.

Conditions:
Cardiovascular phenotype. Identifiers: MedGen CN230736.
Alstrom syndrome (ALMS). Identifiers: Orphanet 64, MedGen C0268425, MONDO:0008763, OMIM 203800.

Submissions (5):

Ambry Genetics
Classification: Uncertain significance for Cardiovascular phenotype. Last evaluated: 2025-10-29. Review status: criteria provided, single submitter. Criteria: Ambry Variant Classification Scheme 2023. Collection method: clinical testing. Allele origin: germline.
Comment: The c.12401_12404delGAGA variant, located in coding exon 22 of the ALMS1 gene, results from a deletion of 4 nucleotides at nucleotide positions 12401 to 12404, causing a translational frameshift with a predicted alternate stop codon (p.R4134Kfs*23). This alteration occurs at the 3' terminus of theALMS1 gene, is not expected to trigger nonsense-mediated mRNAdecay, and only impacts the last 36 amino acids of the protein. The exact functional effect of this alteration is unknown. Based on the available evidence, the clinical significance of this variant remains unclear.

Labcorp Genetics (formerly Invitae), Labcorp
Classification: Uncertain significance for Alstrom syndrome. Last evaluated: 2022-09-13. Review status: criteria provided, single submitter. Criteria: Invitae Variant Classification Sherloc (09022015). Collection method: clinical testing. Allele origin: germline.
Comment: This sequence change creates a premature translational stop signal (p.Arg4134Lysfs*23) in the ALMS1 gene. While this is not anticipated to result in nonsense mediated decay, it is expected to disrupt the last 36 amino acid(s) of the ALMS1 protein. This variant is present in population databases (rs761223068, gnomAD 0.004%). This variant has not been reported in the literature in individuals affected with ALMS1-related conditions. ClinVar contains an entry for this variant (Variation ID: 550853). Experimental studies and prediction algorithms are not available or were not evaluated, and the functional significance of this variant is currently unknown. In summary, the available evidence is currently insufficient to determine the role of this variant in disease. Therefore, it has been classified as a Variant of Uncertain Significance.

Women's Health and Genetics/Laboratory Corporation of America, LabCorp
Classification: Uncertain significance. Last evaluated: 2022-08-04. Review status: criteria provided, single submitter. Criteria: LabCorp Variant Classification Summary - May 2015. Collection method: clinical testing. Allele origin: germline.
Comment: Variant summary: ALMS1 c.12395_12398delGAGA/p.Arg4132LysfsX23 (also known as c.12401_12404delGAGA/p.Arg4134fs in RefSeq) results in a premature termination codon, predicted to cause a truncation of the encoded protein and only affects last 36 amino acids. Truncations downstream of this position have not been classified as pathogenic in ClinVar. The variant allele was found at a frequency of 1.6e-05 in 249532 control chromosomes. To our knowledge, no occurrence of c.12395_12398delGAGA in individuals affected with Alstrom Syndrome and no experimental evidence demonstrating its impact on protein function have been reported. One clinical diagnostic laboratory has submitted clinical-significance assessments for this variant to ClinVar after 2014 without evidence for independent evaluation and classified the variant as uncertain significance. Based on the evidence outlined above, the variant was classified as VUS.

Fulgent Genetics
Classification: Uncertain significance for Alstrom syndrome. Last evaluated: 2021-10-05. Review status: criteria provided, single submitter. Criteria: ACMG Guidelines, 2015. Collection method: clinical testing. Allele origin: unknown.

Counsyl
Classification: Uncertain significance for Alstrom syndrome. Last evaluated: 2017-02-24. Review status: no assertion criteria provided. Collection method: clinical testing. Allele origin: unknown. Not counted in ClinVar's aggregate classification.

NM_001378454.1(ALMS1):c.12398_12401del (p.Arg4133fs)

Gene: ALMS1 (ALMS1 centrosome and basal body associated protein; plus strand). Cytogenetic location: 2p13.1.
Variant type: Microsatellite.
Coding change: c.12398_12401del on transcript NM_001378454.1 (MANE Select); coding-DNA positions 12398 to 12401, 4 bases deleted (GAGA; older notation c.12398_12401delGAGA).
Protein change: p.Arg4133fs; shifts the reading frame from arginine 4133.
Molecular consequence: frameshift variant.
Genome position (GRCh38, 1-based): chr2:73,608,510-73,608,513, GAGA deleted; deleting any 4 consecutive bases within chr2:73,608,507-73,608,513 gives the same sequence; the c. name uses the placement nearest the transcript's 3' end. VCF-style (leftmost placement, unchanged base first): chr2-73608506-AAGAG-A. GRCh37 (hg19) VCF-style: chr2-73835633-AAGAG-A.
Other names: c.12401_12404del, p.Arg4134fs (NM_015120.4); c.12401_12404delGAGA (NM_015120.4); short protein forms R4134fs, R4133fs.
Identifiers: ClinVar variation 550853 (VCV000550853.11), dbSNP rs761223068, ClinGen allele CA1715569.